The following is an entry in ClinVar:

NM_002471.4(MYH6):c.3979-7T>C

Gene: MYH6 (myosin heavy chain 6; minus strand). Cytogenetic location: 14q11.2.
Variant type: single nucleotide variant.
Coding change: c.3979-7T>C on transcript NM_002471.4 (MANE Select); 7 bases into the intron before coding-DNA position 3979, T replaced by C.
Molecular consequence: intron variant.
Genome position (GRCh38, 1-based): chr14:23,389,062, A>G on the plus strand (T>C on the coding strand, the complement: MYH6 is on the minus strand). VCF-style: chr14-23389062-A-G. GRCh37 (hg19) VCF-style: chr14-23858271-A-G.
Identifiers: ClinVar variation 239170 (VCV000239170.20), dbSNP rs535111647, ClinGen allele CA7114966.

ClinVar aggregate classification (germline): Benign/Likely benign. Review status: criteria provided, multiple submitters, no conflicts (2 of 4 stars). 7 submissions from 7 submitters: Benign (4); Likely benign (1). 2 of the submissions do not count toward it. Last evaluated 2026-02-02.

Conditions:
Cardiomyopathy (CMYO). Also called: Cardiomyopathies. Identifiers: Orphanet 167848, MedGen C0878544, MONDO:0004994, HP:0001638. Inheritance: Various modes of inheritance.
Hypertrophic cardiomyopathy 14. Identifiers: MedGen C2750467, MONDO:0013197, OMIM 613251.

Allele frequency attached by ClinVar (database versions not stated): 1000 Genomes Project 0.00559.

Submissions (7):

Labcorp Genetics (formerly Invitae), Labcorp
Classification: Benign for Hypertrophic cardiomyopathy 14. Last evaluated: 2026-02-02. Review status: criteria provided, single submitter. Criteria: Invitae Variant Classification Sherloc (09022015). Collection method: clinical testing. Allele origin: germline.

Blueprint Genetics
Classification: Likely benign. Last evaluated: 2024-11-27. Review status: criteria provided, single submitter. Criteria: ACMG Guidelines, 2015. Collection method: clinical testing. Allele origin: germline.

CHEO Genetics Diagnostic Laboratory, Children's Hospital of Eastern Ontario
Classification: Benign for Cardiomyopathy. Last evaluated: 2018-12-12. Review status: criteria provided, single submitter. Criteria: ACMG Guidelines, 2015. Collection method: clinical testing. Allele origin: germline.

GeneDx
Classification: Benign. Last evaluated: 2017-02-08. Review status: criteria provided, single submitter. Criteria: GeneDx Variant Classification (06012015). Collection method: clinical testing. Allele origin: germline. Affected: yes.
Comment: This variant is considered likely benign or benign based on one or more of the following criteria: it is a conservative change, it occurs at a poorly conserved position in the protein, it is predicted to be benign by multiple in silico algorithms, and/or has population frequency not consistent with disease.

Women's Health and Genetics/Laboratory Corporation of America, LabCorp
Classification: Benign. Last evaluated: 2016-06-20. Review status: criteria provided, single submitter. Criteria: LabCorp Variant Classification Summary - May 2015. Collection method: clinical testing. Allele origin: germline.
Comment: Variant summary: The MYH6 c.3979-7T>C variant involves the alteration of a non-conserved intronic nucleotide. One in silico tool predicts a benign outcome for this variant. 5/5 splice prediction tools predict no significant impact on normal splicing and ESEfinder predicts changes of binding motifs for RNA splicing enhancers. This variant was found in 267/76776 control chromosomes (2 homozygotes), predominantly observed in the African subpopulation at a frequency of 0.0154313 (122/7906). This frequency is about 617 times the estimated maximal expected allele frequency of a pathogenic MYH6 variant (0.000025), suggesting this is likely a benign polymorphism found primarily in the populations of African origin. The variant of interest has not, to our knowledge, been reported in affected individuals via publications or clinical diagnostic laboratories; nor evaluated for functional impact by in vivo/vitro studies. Taken together, this variant is classified as benign.

Diagnostic Laboratory, Department of Genetics, University Medical Center Groningen
Classification: Likely benign. Review status: no assertion criteria provided. Collection method: clinical testing. Allele origin: germline. Affected: yes. Study: VKGL Data-share Consensus. Not counted in ClinVar's aggregate classification.

Joint Genome Diagnostic Labs from Nijmegen and Maastricht, Radboudumc and MUMC+
Classification: Benign. Review status: no assertion criteria provided. Collection method: clinical testing. Allele origin: germline. Affected: yes. Study: VKGL Data-share Consensus. Not counted in ClinVar's aggregate classification.